The following is an entry in ClinVar:

NM_138352.3(SAMD1):c.99G>C (p.Glu33Asp)

Genes: SAMD1 (sterile alpha motif domain containing 1; minus strand), LOC130063760 (ATAC-STARR-seq lymphoblastoid silent region 10229; plus strand). Cytogenetic location: 19p13.12.
Variant type: single nucleotide variant.
Coding change: c.99G>C on transcript NM_138352.3 (MANE Select); coding-DNA position 99, G replaced by C.
Protein change: p.Glu33Asp; replaces glutamic acid 33 with aspartic acid.
Molecular consequence: missense variant.
Genome position (GRCh38, 1-based): chr19:14,090,322, C>G on the plus strand (G>C on the coding strand, the complement: SAMD1 is on the minus strand). VCF-style: chr19-14090322-C-G. GRCh37 (hg19) VCF-style: chr19-14201134-C-G.
Other names: short protein forms E33D.
Identifiers: ClinVar variation 2275930 (VCV002275930.2), dbSNP rs2145733759, ClinGen allele CA404371117.

ClinVar aggregate classification (germline): Uncertain significance (1 of 4 stars; one submission).

Allele frequency attached by ClinVar (database versions not stated): gnomAD exomes below 0.00001.

Submission:

Ambry Genetics
Classification: Uncertain significance. Last evaluated: 2022-02-03. Review status: criteria provided, single submitter. Criteria: Ambry Variant Classification Scheme 2023. Collection method: clinical testing. Allele origin: germline.
Comment: The c.99G>C (p.E33D) alteration is located in exon (coding exon ) of the SAMD1 gene. This alteration results from a G to C substitution at nucleotide position 99, causing the glutamic acid (E) at amino acid position 33 to be replaced by an aspartic acid (D). Based on insufficient or conflicting evidence, the clinical significance of this alteration remains unclear.